The following is an entry in ClinVar:

ClinVar aggregate classification (germline): Uncertain significance (1 of 4 stars; one submission).

Conditions:
Neuroblastoma, susceptibility to, 3. Also called: ALK-Related Neuroblastic Tumor Susceptibility. Identifiers: Orphanet 635, MedGen C2751681, MONDO:0013083, OMIM 613014.

Allele frequency attached by ClinVar (database versions not stated): gnomAD 0.00001.
gnomAD v4.1: 1 of 1,553,330 alleles (0.000064%); highest among the groups gnomAD compares: African/African-American, 0.0014%; no homozygotes.

Submission:

Labcorp Genetics (formerly Invitae), Labcorp
Classification: Uncertain significance for Neuroblastoma, susceptibility to, 3. Last evaluated: 2023-12-17. Review status: criteria provided, single submitter. Criteria: Invitae Variant Classification Sherloc (09022015). Collection method: clinical testing. Allele origin: germline.
Comment: This sequence change replaces leucine, which is neutral and non-polar, with glutamine, which is neutral and polar, at codon 102 of the ALK protein (p.Leu102Gln). This variant is not present in population databases (gnomAD no frequency). This variant has not been reported in the literature in individuals affected with ALK-related conditions. An algorithm developed to predict the effect of missense changes on protein structure and function (PolyPhen-2) suggests that this variant is likely to be tolerated. In summary, the available evidence is currently insufficient to determine the role of this variant in disease. Therefore, it has been classified as a Variant of Uncertain Significance.

NM_004304.5(ALK):c.305T>A (p.Leu102Gln)

Gene: ALK (ALK receptor tyrosine kinase; minus strand). Cytogenetic location: 2p23.1.
Variant type: single nucleotide variant.
Coding change: c.305T>A on transcript NM_004304.5 (MANE Select); coding-DNA position 305, T replaced by A.
Protein change: p.Leu102Gln; replaces leucine 102 with glutamine.
Molecular consequence: missense variant.
Genome position (GRCh38, 1-based): chr2:29,920,355, A>T on the plus strand (T>A on the coding strand, the complement: ALK is on the minus strand). VCF-style: chr2-29920355-A-T. GRCh37 (hg19) VCF-style: chr2-30143221-A-T.
Other names: short protein forms L102Q.
Identifiers: ClinVar variation 2785470 (VCV002785470.3), dbSNP rs1667960348, ClinGen allele CA346590295.